The following is an entry in ClinVar:

ClinVar aggregate classification (germline): Uncertain significance (1 of 4 stars; one submission).

Conditions:
Hereditary cancer-predisposing syndrome. Also called: Neoplastic Syndromes, Hereditary; Tumor predisposition; Hereditary neoplastic syndrome; Hereditary Cancer Syndrome. Identifiers: Orphanet 140162, MedGen C0027672, MeSH D009386, MONDO:0015356.

Submission:

Ambry Genetics
Classification: Uncertain significance for Hereditary cancer-predisposing syndrome. Last evaluated: 2026-07-07. Review status: criteria provided, single submitter. Criteria: Ambry Variant Classification Scheme 2023. Collection method: clinical testing. Allele origin: germline.
Comment: The p.V195A variant (also known as c.584T>C), located in coding exon 4 of the SUFU gene, results from a T to C substitution at nucleotide position 584. The valine at codon 195 is replaced by alanine, an amino acid with similar properties. This amino acid position is conserved. In addition, this alteration is predicted to be deleterious by in silico analysis. Based on the available evidence, the clinical significance of this variant remains unclear.

NM_016169.4(SUFU):c.584T>C (p.Val195Ala)

Gene: SUFU (SUFU negative regulator of hedgehog signaling; plus strand). Cytogenetic location: 10q24.32.
Variant type: single nucleotide variant.
Coding change: c.584T>C on transcript NM_016169.4 (MANE Select); coding-DNA position 584, T replaced by C.
Protein change: p.Val195Ala; replaces valine 195 with alanine.
Molecular consequence: missense variant.
Genome position (GRCh38, 1-based): chr10:102,592,711, T>C. VCF-style: chr10-102592711-T-C. GRCh37 (hg19) VCF-style: chr10-104352468-T-C.
Other names: c.584T>C, p.Val195Ala (NM_001178133.2); short protein forms V195A.
Identifiers: ClinVar variation 5030412 (VCV005030412.1).
Genomic context (GRCh38, chr10:102,592,711, plus strand): 5'-AGCACATGCTGCTGACAGAGGACCCACAGATGCAGCCCGTGCAGACACCCTTTGGGGTAG[T>C]TACCTTCCTCCAGGTGAGGCACAGGTTGGACGCTGGCTCAAGCCTTCCTGTGGGAAGGGT-3'
Protein context (NP_057253.2, residues 185-205): MQPVQTPFGV[Val195Ala]TFLQIVGVCT